The following is an entry in ClinVar:

NM_014159.7(SETD2):c.2575A>T (p.Thr859Ser)

Gene: SETD2 (SET domain containing 2, histone lysine methyltransferase; minus strand). Cytogenetic location: 3p21.31.
Variant type: single nucleotide variant.
Coding change: c.2575A>T on transcript NM_014159.7 (MANE Select); coding-DNA position 2575, A replaced by T.
Protein change: p.Thr859Ser; replaces threonine 859 with serine.
Molecular consequence: missense variant. On other transcripts: non-coding transcript variant (1).
Genome position (GRCh38, 1-based): chr3:47,122,061, T>A on the plus strand (A>T on the coding strand, the complement: SETD2 is on the minus strand). VCF-style: chr3-47122061-T-A. GRCh37 (hg19) VCF-style: chr3-47163551-T-A.
Other names: c.2443A>T, p.Thr815Ser (NM_001349370.3); short protein forms T859S, T815S.
Identifiers: ClinVar variation 135213 (VCV000135213.1), dbSNP rs587778669, ClinGen allele CA162032.
Genomic context (GRCh38, chr3:47,122,061, plus strand): 5'-TACCTGAACTCCCAATAGGTTGATATAAATCATCAAAATGATTAACAGAAGCTGAACTAG[T>A]GCTACCGATGCTCTGCTTATATTCTTCACATGCAAATTTTGAGTGATCTGTCAAATTTCT-3'
Protein context (NP_054878.5, residues 849-869): CEEYKQSIGS[Thr859Ser]SSASVNHFDD

ClinVar aggregate classification (germline): not provided (0 of 4 stars; one submission).

Submission:

ITMI
No classification provided. Condition: AllHighlyPenetrant. Last evaluated: 2013-09-19. Review status: no classification provided. Collection method: reference population. Allele origin: germline.
Comment: Please see associated publication for description of ethnicities

Literature cited by the submitters: PubMed 24728327.